The following is an entry in ClinVar:

NM_033409.4(SLC52A3):c.130C>A (p.Leu44Ile)

Gene: SLC52A3 (solute carrier family 52 member 3; minus strand). Cytogenetic location: 20p13.
Variant type: single nucleotide variant.
Coding change: c.130C>A on transcript NM_033409.4 (MANE Select); coding-DNA position 130, C replaced by A.
Protein change: p.Leu44Ile; replaces leucine 44 with isoleucine.
Molecular consequence: missense variant.
Genome position (GRCh38, 1-based): chr20:765,645, G>T on the plus strand (C>A on the coding strand, the complement: SLC52A3 is on the minus strand). VCF-style: chr20-765645-G-T. GRCh37 (hg19) VCF-style: chr20-746289-G-T.
Other names: c.130C>A, p.Leu44Ile (NM_001370085.1, NM_001370086.1); short protein forms L44I.
Identifiers: ClinVar variation 1047703 (VCV001047703.10), dbSNP rs759031372, ClinGen allele CA407964476.
Genomic context (GRCh38, chr20:765,645, plus strand): 5'-AGTGATGGAGCAGGGTGACCAGGAGGGGCCCGATGTTGGCCAGCTGGATGACCACCGTGA[G>T]GTAGGAGGGCAGGTACCAGCCCTCGGGCAGCTCCATCACCAGCAGGGGCAGCTCTACCCA-3'
Protein context (NP_212134.3, residues 34-54): LPEGWYLPSY[Leu44Ile]TVVIQLANIG

ClinVar aggregate classification (germline): Uncertain significance (1 of 4 stars; one submission).

Conditions:
Brown-Vialetto-van Laere syndrome 1. Also called: BROWN-VIALETTO-VAN LAERE SYNDROME 1, MILD; BULBAR PALSY, PROGRESSIVE, WITH SENSORINEURAL DEAFNESS; PONTOBULBAR PALSY WITH DEAFNESS. Identifiers: Orphanet 572550, Orphanet 97229, MedGen C0796274, MONDO:0024537, OMIM 211530.

Submission:

Labcorp Genetics (formerly Invitae), Labcorp
Classification: Uncertain significance for Brown-Vialetto-van Laere syndrome 1. Last evaluated: 2022-09-19. Review status: criteria provided, single submitter. Criteria: Invitae Variant Classification Sherloc (09022015). Collection method: clinical testing. Allele origin: germline.
Comment: Advanced modeling of protein sequence and biophysical properties (such as structural, functional, and spatial information, amino acid conservation, physicochemical variation, residue mobility, and thermodynamic stability) performed at Invitae indicates that this missense variant is not expected to disrupt SLC52A3 protein function. ClinVar contains an entry for this variant (Variation ID: 1047703). This variant has not been reported in the literature in individuals affected with SLC52A3-related conditions. This variant is not present in population databases (gnomAD no frequency). This sequence change replaces leucine, which is neutral and non-polar, with isoleucine, which is neutral and non-polar, at codon 44 of the SLC52A3 protein (p.Leu44Ile). In summary, the available evidence is currently insufficient to determine the role of this variant in disease. Therefore, it has been classified as a Variant of Uncertain Significance.